The following is an entry in ClinVar:

NM_015909.4(NBAS):c.2810C>A (p.Pro937His)

Gene: NBAS (NBAS subunit of NRZ tethering complex; minus strand). Cytogenetic location: 2p24.3.
Variant type: single nucleotide variant.
Coding change: c.2810C>A on transcript NM_015909.4 (MANE Select); coding-DNA position 2810, C replaced by A.
Protein change: p.Pro937His; replaces proline 937 with histidine.
Molecular consequence: missense variant. On other transcripts: non-coding transcript variant (1).
Genome position (GRCh38, 1-based): chr2:15,415,673, G>T on the plus strand (C>A on the coding strand, the complement: NBAS is on the minus strand). VCF-style: chr2-15415673-G-T. GRCh37 (hg19) VCF-style: chr2-15555797-G-T.
Other names: short protein forms P937H.
Identifiers: ClinVar variation 1370661 (VCV001370661.6), dbSNP rs2148459462, ClinGen allele CA345885814.

ClinVar aggregate classification (germline): Uncertain significance (1 of 4 stars; one submission).

Submission:

Labcorp Genetics (formerly Invitae), Labcorp
Classification: Uncertain significance. Last evaluated: 2022-09-19. Review status: criteria provided, single submitter. Criteria: Invitae Variant Classification Sherloc (09022015). Collection method: clinical testing. Allele origin: germline.
Comment: In summary, the available evidence is currently insufficient to determine the role of this variant in disease. Therefore, it has been classified as a Variant of Uncertain Significance. Advanced modeling of protein sequence and biophysical properties (such as structural, functional, and spatial information, amino acid conservation, physicochemical variation, residue mobility, and thermodynamic stability) performed at Invitae indicates that this missense variant is not expected to disrupt NBAS protein function. ClinVar contains an entry for this variant (Variation ID: 1370661). This variant has not been reported in the literature in individuals affected with NBAS-related conditions. This variant is not present in population databases (gnomAD no frequency). This sequence change replaces proline, which is neutral and non-polar, with histidine, which is basic and polar, at codon 937 of the NBAS protein (p.Pro937His).